The following is an entry in ClinVar:

NM_000180.4(GUCY2D):c.2059C>T (p.His687Tyr)

Gene: GUCY2D (guanylate cyclase 2D, retinal; plus strand). Cytogenetic location: 17p13.1.
Variant type: single nucleotide variant.
Coding change: c.2059C>T on transcript NM_000180.4 (MANE Select); coding-DNA position 2059, C replaced by T.
Protein change: p.His687Tyr; replaces histidine 687 with tyrosine.
Molecular consequence: missense variant.
Genome position (GRCh38, 1-based): chr17:8,012,552, C>T. VCF-style: chr17-8012552-C-T. GRCh37 (hg19) VCF-style: chr17-7915870-C-T.
Other names: NM_000180.4(GUCY2D):c.2059C>T; p.His687Tyr; c.2059C>T (NM_000180.3); short protein forms H687Y.
Identifiers: ClinVar variation 1001416 (VCV001001416.13), dbSNP rs751340355, ClinGen allele CA8365977.

ClinVar aggregate classification (germline): Uncertain significance. Review status: reviewed by expert panel (3 of 4 stars). 8 submissions from 8 submitters: Uncertain significance (1). 7 of the submissions do not count toward it. Last evaluated 2025-01-30.

Conditions:
GUCY2D-related disorder. Also called: GUCY2D-related condition.
Cone-rod dystrophy 6 (CORD6). Also called: RETINAL CONE DYSTROPHY 2; Cone dystrophy progressive. Identifiers: Orphanet 1872, MedGen C1866293, MONDO:0011143, OMIM 601777.
Leber congenital amaurosis 1 (LCA1). Also called: RETINAL BLINDNESS, CONGENITAL; AMAUROSIS CONGENITA OF LEBER I; Congenital absence of the rods and cones; Leber's congenital tapetoretinal degeneration; Leber's congenital tapetoretinal dysplasia. Identifiers: Orphanet 65, MedGen C2931258, MONDO:0008764, OMIM 204000.
Night blindness, congenital stationary, type1i. Also called: NIGHT BLINDNESS, CONGENITAL STATIONARY, TYPE 1I. Identifiers: MedGen C5231408, MONDO:0032811, OMIM 618555.
Choroidal dystrophy, central areolar, 1. Identifiers: Orphanet 75377, MedGen C4551884, MONDO:0024539, OMIM 215500.
Inborn genetic diseases. Identifiers: MedGen C0950123, MeSH D030342.
GUCY2D-related recessive retinopathy. Also called: Recessive GUCY2D retinopathy. Identifiers: MedGen CN305603, MONDO:0100453.
Retinal dystrophy. Also called: Inherited retinal dystrophy. Identifiers: Orphanet 71862, MedGen C0854723, MeSH D058499, MONDO:0019118, HP:0000556.

Allele frequency attached by ClinVar (database versions not stated): gnomAD 0.00005; TOPMed 0.00006; gnomAD exomes 0.00007 and 0.00014; ExAC 0.00011.
gnomAD v4.1: 113 of 1,613,828 alleles (0.007%); highest among the groups gnomAD compares: Admixed American, 0.035%; no homozygotes.

Submissions (8):

ClinGen Leber Congenital Amaurosis/early Onset Retinal Dystrophy Variant Curation Expert Panel, ClinGen
Classification: Uncertain significance for GUCY2D-related recessive retinopathy. Last evaluated: 2025-01-30. Review status: reviewed by expert panel. Criteria: ClinGen LCAeoRD ACMG Specifications GUCY2D V1.0.0. Collection method: curation. Allele origin: germline. Inheritance: Autosomal recessive inheritance.
Comment: The NM_000180.4(GUCY2D):c.2059C>T (p.His687Tyr) variant is predicted to replace the histidine at position p.687 with tyrosine. This variant is present in gnomAD v.4.1.0 at a total allele frequency of 0.00007002, with 113 alleles / 1613828 total alleles, which is lower than the ClinGen LCA/eoRD VCEP PM2_Supporting threshold of <0.0004 (PM2_Supporting). The computational predictor REVEL gives a score of 0.303, which is below the ClinGen LCA/eoRD VCEP threshold of ≥0.644 and does not predict a damaging effect on RetGC-1 protein function. Additionally, the splicing impact predictor SpliceAI gives a score of 0.0, which is below the ClinGen LCA/eoRD VCEP recommended threshold of ≥0.2 and does not strongly predict an impact on splicing. In summary, this variant meets the criteria to be classified as a VUS for GUCY2D-related recessive retinopathy based on the ACMG/AMP criteria applied, as specified by the ClinGen LCA/eoRD VCEP: PM2_Supporting. (VCEP specifications version 1.0.0; date of approval 01/22/2025).

PreventionGenetics, part of Exact Sciences
Classification: Uncertain significance for GUCY2D-related condition. Last evaluated: 2026-07-21. Review status: criteria provided, single submitter. Criteria: ACMG Guidelines, 2015. Collection method: clinical testing. Allele origin: germline. Not counted in ClinVar's aggregate classification.
Comment: The GUCY2D c.2059C>T variant is predicted to result in the amino acid substitution p.His687Tyr. To our knowledge, this variant has not been reported in the literature. This variant has been classified as a variant of uncertain significance for GUCY2D-related recessive retinopathy by the ClinGen Leber Congenital Amaurosis/early Onset Retinal Dystrophy Variant Curation Expert Panel (ClinVar ID: 1001416). This variant is reported in 0.031% of alleles in individuals of Latino descent in gnomAD. At this time, the clinical significance of this variant is uncertain due to the absence of conclusive functional and genetic evidence.

Labcorp Genetics (formerly Invitae), Labcorp
Classification: Uncertain significance for Leber congenital amaurosis 1; Cone-rod dystrophy 6. Last evaluated: 2025-12-15. Review status: criteria provided, single submitter. Criteria: Invitae Variant Classification Sherloc (09022015). Collection method: clinical testing. Allele origin: germline. Not counted in ClinVar's aggregate classification.
Comment: This sequence change replaces histidine, which is basic and polar, with tyrosine, which is neutral and polar, at codon 687 of the GUCY2D protein (p.His687Tyr). This variant is present in population databases (rs751340355, gnomAD 0.03%). This variant has not been reported in the literature in individuals affected with GUCY2D-related conditions. ClinVar contains an entry for this variant (Variation ID: 1001416). Invitae Evidence Modeling of protein sequence and biophysical properties (such as structural, functional, and spatial information, amino acid conservation, physicochemical variation, residue mobility, and thermodynamic stability) indicates that this missense variant is not expected to disrupt GUCY2D protein function with a negative predictive value of 80%. In summary, the available evidence is currently insufficient to determine the role of this variant in disease. Therefore, it has been classified as a Variant of Uncertain Significance.

Ambry Genetics
Classification: Uncertain significance for Inborn genetic diseases. Last evaluated: 2025-09-10. Review status: criteria provided, single submitter. Criteria: Ambry Variant Classification Scheme 2023. Collection method: clinical testing. Allele origin: germline. Not counted in ClinVar's aggregate classification.

Blueprint Genetics
Classification: Uncertain significance. Last evaluated: 2024-05-17. Review status: criteria provided, single submitter. Criteria: ACMG Guidelines, 2015. Collection method: clinical testing. Allele origin: germline. Not counted in ClinVar's aggregate classification.

Fulgent Genetics
Classification: Uncertain significance for Leber congenital amaurosis 1; Choroidal dystrophy, central areolar, 1; Cone-rod dystrophy 6; Night blindness, congenital stationary, type1i. Last evaluated: 2021-09-29. Review status: criteria provided, single submitter. Criteria: ACMG Guidelines, 2015. Collection method: clinical testing. Allele origin: unknown. Not counted in ClinVar's aggregate classification.

Breakthrough Genomics
Classification: Uncertain significance. Review status: criteria provided, single submitter. Criteria: ACMG Guidelines, 2015. Collection method: not provided. Allele origin: germline. Inheritance: Autosomal recessive inheritance. Affected: yes. Not counted in ClinVar's aggregate classification.

Institute of Human Genetics, Univ. Regensburg, Univ. Regensburg
Classification: Uncertain significance for Retinal dystrophy. Last evaluated: 2020-01-01. Review status: no assertion criteria provided. Criteria: ACMG Guidelines, 2015. Collection method: clinical testing. Allele origin: germline. Affected: yes. Not counted in ClinVar's aggregate classification.